The following is an entry in ClinVar:

NM_000138.5(FBN1):c.1960+3A>C

Gene: FBN1 (fibrillin 1; minus strand). Cytogenetic location: 15q21.1.
Variant type: single nucleotide variant.
Coding change: c.1960+3A>C on transcript NM_000138.5 (MANE Select); 3 bases into the intron after coding-DNA position 1960, A replaced by C.
Molecular consequence: intron variant.
Genome position (GRCh38, 1-based): chr15:48,505,022, T>G on the plus strand (A>C on the coding strand, the complement: FBN1 is on the minus strand). VCF-style: chr15-48505022-T-G. GRCh37 (hg19) VCF-style: chr15-48797219-T-G.
Other names: c.1960+3A>C (NM_001406716.1).
Identifiers: ClinVar variation 4786375 (VCV004786375.1).
Genomic context (GRCh38, chr15:48,505,022, plus strand): 5'-TGGGCTTTATTGAGTGACAGAGGCTGAACCTCTCTCATAAGGTTAGCCATGATGTTTTCT[T>G]ACCAACACACACACGGCCATCCAGACCCACAGCCAGTCCAGGGAAGCATTCACATCTGTA-3'

ClinVar aggregate classification (germline): Uncertain significance (1 of 4 stars; one submission).

Conditions:
Marfan syndrome (MFS). Also called: FBN1-Related Marfan Syndrome; MARFAN SYNDROME, TYPE I; Marfan syndrome type 1; Marfan's syndrome; Marfan syndrome, classic. Identifiers: Orphanet 284963, Orphanet 558, MedGen C0024796, MONDO:0007947, OMIM 154700.
Familial thoracic aortic aneurysm and aortic dissection (TAAD). Also called: Thoracic aortic aneurysms and dissections. Identifiers: Orphanet 91387, MedGen C4707243, MONDO:0019625.

Submission:

Labcorp Genetics (formerly Invitae), Labcorp
Classification: Uncertain significance for Marfan syndrome; Familial thoracic aortic aneurysm and aortic dissection. Last evaluated: 2025-10-10. Review status: criteria provided, single submitter. Criteria: Invitae Variant Classification Sherloc (09022015). Collection method: clinical testing. Allele origin: germline.
Comment: This sequence change falls in intron 16 of the FBN1 gene. It does not directly change the encoded amino acid sequence of the FBN1 protein. It affects a nucleotide within the consensus splice site. This variant is not present in population databases (gnomAD no frequency). This variant has been observed in individual(s) with clinical features of Marfan syndrome (internal data). Variants that disrupt the consensus splice site are a relatively common cause of aberrant splicing (PMID: 17576681, 9536098). Algorithms developed to predict the effect of sequence changes on RNA splicing suggest that this variant may disrupt the consensus splice site. In summary, the available evidence is currently insufficient to determine the role of this variant in disease. Therefore, it has been classified as a Variant of Uncertain Significance.

Literature cited by the submitters: PubMed 17576681; PubMed 9536098.